The following is an entry in ClinVar:

NM_002778.4(PSAP):c.1432-3T>C

Gene: PSAP (prosaposin; minus strand). Cytogenetic location: 10q22.1.
Variant type: single nucleotide variant.
Coding change: c.1432-3T>C on transcript NM_002778.4 (MANE Select); 3 bases into the intron before coding-DNA position 1432, T replaced by C.
Molecular consequence: intron variant.
Genome position (GRCh38, 1-based): chr10:71,818,727, A>G on the plus strand (T>C on the coding strand, the complement: PSAP is on the minus strand). VCF-style: chr10-71818727-A-G. GRCh37 (hg19) VCF-style: chr10-73578484-A-G.
Other names: p.?; c.1438-3T>C (NM_001042466.3); c.1441-3T>C (NM_001042465.3).
Identifiers: ClinVar variation 991959 (VCV000991959.5), dbSNP rs200577646, ClinGen allele CA5547333.

ClinVar aggregate classification (germline): Conflicting classifications of pathogenicity. Review status: criteria provided, conflicting classifications (1 of 4 stars). 4 submissions from 4 submitters: Uncertain significance (1); Likely benign (2). 1 of the submissions does not count toward it. Last evaluated 2025-07-08.

Conditions:
Sphingolipid activator protein 1 deficiency. Also called: METACHROMATIC LEUKODYSTROPHY DUE TO CEREBROSIDE SULFATASE ACTIVATOR DEFICIENCY; Metachromatic leukodystrophy due to saposin B deficiency; Saposin B Deficiency. Identifiers: Orphanet 512, MedGen C0268262, MONDO:0009590, OMIM 249900.
Metachromatic leukodystrophy (MLD). Also called: METACHROMATIC LEUKOENCEPHALOPATHY; CEREBROSIDE SULFATASE DEFICIENCY; Cerebral sclerosis diffuse metachromatic form; Arylsulfatase A Deficiency; ARSA DEFICIENCY; SULFATIDE LIPIDOSIS. Identifiers: Orphanet 512, MedGen C0023522, MONDO:0018868, OMIM 250100.

Allele frequency attached by ClinVar (database versions not stated): gnomAD exomes 0.00002 and 0.00003; gnomAD 0.00003; ExAC 0.00004; TOPMed 0.00004; 1000 Genomes Project 30x 0.00016; 1000 Genomes Project 0.00020.
gnomAD v4.1: 45 of 1,611,288 alleles (0.0028%); highest among the groups gnomAD compares: Admixed American, 0.0033%; no homozygotes.

Submissions (4):

Mayo Clinic Laboratories, Mayo Clinic
Classification: Likely benign. Last evaluated: 2025-07-08. Review status: criteria provided, single submitter. Criteria: ACMG Guidelines, 2015. Collection method: clinical testing. Allele origin: germline. Observed: 1 variant allele.
Comment: BP4, BP7, PM2_supporting

Blueprint Genetics
Classification: Likely benign. Last evaluated: 2024-10-11. Review status: criteria provided, single submitter. Criteria: ACMG Guidelines, 2015. Collection method: clinical testing. Allele origin: germline.

Labcorp Genetics (formerly Invitae), Labcorp
Classification: Uncertain significance for Sphingolipid activator protein 1 deficiency. Last evaluated: 2022-07-18. Review status: criteria provided, single submitter. Criteria: Invitae Variant Classification Sherloc (09022015). Collection method: clinical testing. Allele origin: germline.
Comment: This sequence change falls in intron 12 of the PSAP gene. It does not directly change the encoded amino acid sequence of the PSAP protein. It affects a nucleotide within the consensus splice site. This variant is present in population databases (rs200577646, gnomAD 0.003%). This variant has not been reported in the literature in individuals affected with PSAP-related conditions. ClinVar contains an entry for this variant (Variation ID: 991959). Variants that disrupt the consensus splice site are a relatively common cause of aberrant splicing (PMID: 17576681, 9536098). Algorithms developed to predict the effect of sequence changes on RNA splicing suggest that this variant is not likely to affect RNA splicing. In summary, the available evidence is currently insufficient to determine the role of this variant in disease. Therefore, it has been classified as a Variant of Uncertain Significance.

Natera, Inc.
Classification: Uncertain significance for Metachromatic leukodystrophy. Last evaluated: 2020-04-11. Review status: no assertion criteria provided. Collection method: clinical testing. Allele origin: germline. Not counted in ClinVar's aggregate classification.

Literature cited by the submitters: PubMed 17576681 (cited by Labcorp Genetics (formerly Invitae), Labcorp); PubMed 9536098 (cited by Labcorp Genetics (formerly Invitae), Labcorp).